The following is an entry in ClinVar:

NM_152296.5(ATP1A3):c.2819+7G>T

Gene: ATP1A3 (ATPase Na+/K+ transporting subunit alpha 3; minus strand). Cytogenetic location: 19q13.2.
Variant type: single nucleotide variant.
Coding change: c.2819+7G>T on transcript NM_152296.5 (MANE Select); 7 bases into the intron after coding-DNA position 2819, G replaced by T.
Molecular consequence: intron variant.
Genome position (GRCh38, 1-based): chr19:41,968,778, C>A on the plus strand (G>T on the coding strand, the complement: ATP1A3 is on the minus strand). VCF-style: chr19-41968778-C-A. GRCh37 (hg19) VCF-style: chr19-42472930-C-A.
Other names: c.2858+7G>T (NM_001256214.2); c.2852+7G>T (NM_001256213.2).
Identifiers: ClinVar variation 639096 (VCV000639096.8), dbSNP rs1599704395, ClinGen allele CA915953051.

ClinVar aggregate classification (germline): Uncertain significance (1 of 4 stars; one submission).

Conditions:
Dystonia 12 (DYT12). Also called: Rapid-Onset Dystonia-Parkinsonism (RDP); DYT-ATP1A3. Identifiers: Orphanet 71517, MedGen C1868681, MONDO:0007496, OMIM 128235.

Submission:

Labcorp Genetics (formerly Invitae), Labcorp
Classification: Uncertain significance for Dystonia 12. Last evaluated: 2018-10-16. Review status: criteria provided, single submitter. Criteria: Invitae Variant Classification Sherloc (09022015). Collection method: clinical testing. Allele origin: germline.
Comment: In summary, the available evidence is currently insufficient to determine the role of this variant in disease. Therefore, it has been classified as a Variant of Uncertain Significance. Algorithms developed to predict the effect of sequence changes on RNA splicing suggest that this variant may create or strengthen a splice site, but this prediction has not been confirmed by published transcriptional studies. This variant has not been reported in the literature in individuals with ATP1A3-related disease. This variant is not present in population databases (ExAC no frequency). This sequence change falls in intron 20 of the ATP1A3 gene. It does not directly change the encoded amino acid sequence of the ATP1A3 protein.